The following is an entry in ClinVar:

ClinVar aggregate classification (germline): Uncertain significance (1 of 4 stars; one submission).

Conditions:
Autosomal dominant hypocalcemia 1 (HYPOC1). Also called: HYPOCALCEMIA, FAMILIAL. Identifiers: MedGen C3715128, MONDO:0011013, OMIM 601198.
Familial hypocalciuric hypercalcemia (FHH). Also called: Familial benign hypercalcemia. Identifiers: Orphanet 405, MedGen C1809471, MONDO:0018458.

Submission:

Labcorp Genetics (formerly Invitae), Labcorp
Classification: Uncertain significance for Familial hypocalciuric hypercalcemia; Autosomal dominant hypocalcemia 1. Last evaluated: 2023-06-28. Review status: criteria provided, single submitter. Criteria: Invitae Variant Classification Sherloc (09022015). Collection method: clinical testing. Allele origin: germline.
Comment: In summary, the available evidence is currently insufficient to determine the role of this variant in disease. Therefore, it has been classified as a Variant of Uncertain Significance. Algorithms developed to predict the effect of missense changes on protein structure and function output the following: SIFT: "Not Available"; PolyPhen-2: "Benign"; Align-GVGD: "Not Available". The glycine amino acid residue is found in multiple mammalian species, which suggests that this missense change does not adversely affect protein function. This variant has not been reported in the literature in individuals affected with CASR-related conditions. This variant is not present in population databases (gnomAD no frequency). This sequence change replaces alanine, which is neutral and non-polar, with glycine, which is neutral and non-polar, at codon 324 of the CASR protein (p.Ala324Gly).

NM_000388.4(CASR):c.971C>G (p.Ala324Gly)

Gene: CASR (calcium sensing receptor; plus strand). Cytogenetic location: 3q21.1.
Variant type: single nucleotide variant.
Coding change: c.971C>G on transcript NM_000388.4 (MANE Select); coding-DNA position 971, C replaced by G.
Protein change: p.Ala324Gly; replaces alanine 324 with glycine.
Molecular consequence: missense variant.
Genome position (GRCh38, 1-based): chr3:122,262,006, C>G. VCF-style: chr3-122262006-C-G. GRCh37 (hg19) VCF-style: chr3-121980853-C-G.
Other names: c.971C>G, p.Ala324Gly (NM_001178065.2); short protein forms A324G.
Identifiers: ClinVar variation 2949427 (VCV002949427.3), dbSNP rs2473227464, ClinGen allele CA354151869.